The following is an entry in ClinVar:

NM_001145004.2(GOLGA6L6):c.281C>T (p.Ser94Leu)

Gene: GOLGA6L6 (golgin A6 family like 6 (gene/pseudogene); minus strand). Cytogenetic location: 15q11.2.
Variant type: single nucleotide variant.
Coding change: c.281C>T on transcript NM_001145004.2 (MANE Select); coding-DNA position 281, C replaced by T.
Protein change: p.Ser94Leu; replaces serine 94 with leucine.
Molecular consequence: missense variant.
Genome position (GRCh38, 1-based): chr15:20,539,783, G>A on the plus strand (C>T on the coding strand, the complement: GOLGA6L6 is on the minus strand). VCF-style: chr15-20539783-G-A. GRCh37 (hg19) VCF-style: chr15-20745061-G-A.
Other names: short protein forms S94L.
Identifiers: ClinVar variation 2392084 (VCV002392084.4), dbSNP rs1190782083, ClinGen allele CA391434693.

ClinVar aggregate classification (germline): Uncertain significance (1 of 4 stars; one submission).

Submission:

Ambry Genetics
Classification: Uncertain significance. Last evaluated: 2026-07-08. Review status: criteria provided, single submitter. Criteria: Ambry Variant Classification Scheme 2023. Collection method: clinical testing. Allele origin: germline.
Comment: The c.317C>T (p.S106L) alteration is located in exon 2 (coding exon 2) of the GOLGA6L6 gene. This alteration results from a C to T substitution at nucleotide position 317, causing the serine (S) at amino acid position 106 to be replaced by a leucine (L). Based on data from gnomAD, the T allele has an overall frequency of 0.039% (2/5116) total alleles studied. The highest observed frequency was 0.926% (1/108) of Other alleles. Based on insufficient or conflicting evidence, the clinical significance of this alteration remains unclear.